The following is an entry in ClinVar:

NM_000550.3(TYRP1):c.22T>A (p.Ser8Thr)

Gene: TYRP1 (tyrosinase related protein 1; plus strand). Cytogenetic location: 9p23.
Variant type: single nucleotide variant.
Coding change: c.22T>A on transcript NM_000550.3 (MANE Select); coding-DNA position 22, T replaced by A.
Protein change: p.Ser8Thr; replaces serine 8 with threonine.
Molecular consequence: missense variant.
Genome position (GRCh38, 1-based): chr9:12,694,018, T>A. VCF-style: chr9-12694018-T-A. GRCh37 (hg19) VCF-style: chr9-12694018-T-A.
Other names: short protein forms S8T.
Identifiers: ClinVar variation 1966698 (VCV001966698.2), dbSNP rs766047773, ClinGen allele CA4985087.

ClinVar aggregate classification (germline): Uncertain significance (1 of 4 stars; one submission).

Allele frequency attached by ClinVar (database versions not stated): TOPMed below 0.00001; gnomAD 0.00001.
gnomAD v4.1: 5 of 1,613,944 alleles (0.00031%); highest among the groups gnomAD compares: Middle Eastern, 0.016%; no homozygotes.

Submission:

Labcorp Genetics (formerly Invitae), Labcorp
Classification: Uncertain significance. Last evaluated: 2022-06-08. Review status: criteria provided, single submitter. Criteria: Invitae Variant Classification Sherloc (09022015). Collection method: clinical testing. Allele origin: germline.
Comment: This sequence change replaces serine, which is neutral and polar, with threonine, which is neutral and polar, at codon 8 of the TYRP1 protein (p.Ser8Thr). This variant is present in population databases (rs766047773, gnomAD 0.0009%). This variant has not been reported in the literature in individuals affected with TYRP1-related conditions. Algorithms developed to predict the effect of missense changes on protein structure and function (SIFT, PolyPhen-2, Align-GVGD) all suggest that this variant is likely to be tolerated. In summary, the available evidence is currently insufficient to determine the role of this variant in disease. Therefore, it has been classified as a Variant of Uncertain Significance.